The following is an entry in ClinVar:

ClinVar aggregate classification (germline): Uncertain significance. Review status: criteria provided, multiple submitters, no conflicts (2 of 4 stars). 2 submissions from 2 submitters: Uncertain significance (2). Last evaluated 2025-10-23.

Conditions:
Cardiovascular phenotype. Identifiers: MedGen CN230736.

Allele frequency attached by ClinVar (database versions not stated): gnomAD exomes below 0.00001.
gnomAD v4.1: 1 of 1,575,946 alleles (0.000063%); highest among the groups gnomAD compares: Non-Finnish European, 0.000086%; no homozygotes.

Submissions (2):

Labcorp Genetics (formerly Invitae), Labcorp
Classification: Uncertain significance. Last evaluated: 2025-10-23. Review status: criteria provided, single submitter. Criteria: Invitae Variant Classification Sherloc (09022015). Collection method: clinical testing. Allele origin: germline.
Comment: This sequence change replaces glutamic acid, which is acidic and polar, with lysine, which is basic and polar, at codon 659 of the ALPK3 protein (p.Glu659Lys). This variant is not present in population databases (gnomAD no frequency). This variant has not been reported in the literature in individuals affected with ALPK3-related conditions. ClinVar contains an entry for this variant (Variation ID: 1478907). Invitae Evidence Modeling of protein sequence and biophysical properties (such as structural, functional, and spatial information, amino acid conservation, physicochemical variation, residue mobility, and thermodynamic stability) indicates that this missense variant is not expected to disrupt ALPK3 protein function with a negative predictive value of 80%. In summary, the available evidence is currently insufficient to determine the role of this variant in disease. Therefore, it has been classified as a Variant of Uncertain Significance.

Ambry Genetics
Classification: Uncertain significance for Cardiovascular phenotype. Last evaluated: 2023-10-23. Review status: criteria provided, single submitter. Criteria: Ambry Variant Classification Scheme 2023. Collection method: clinical testing. Allele origin: germline.
Comment: The p.E659K variant (also known as c.1975G>A), located in coding exon 5 of the ALPK3 gene, results from a G to A substitution at nucleotide position 1975. The glutamic acid at codon 659 is replaced by lysine, an amino acid with similar properties. This amino acid position is conserved. In addition, this alteration is predicted to be tolerated by in silico analysis. Since supporting evidence is limited at this time, the clinical significance of this alteration remains unclear.

NM_020778.5(ALPK3):c.1369G>A (p.Glu457Lys)

Gene: ALPK3 (alpha kinase 3; plus strand). Cytogenetic location: 15q25.3.
Variant type: single nucleotide variant.
Coding change: c.1369G>A on transcript NM_020778.5 (MANE Select); coding-DNA position 1369, G replaced by A.
Protein change: p.Glu457Lys; replaces glutamic acid 457 with lysine.
Molecular consequence: missense variant.
Genome position (GRCh38, 1-based): chr15:84,840,648, G>A. VCF-style: chr15-84840648-G-A. GRCh37 (hg19) VCF-style: chr15-85383879-G-A.
Other names: c.1975G>A (NM_020778.4); short protein forms E457K.
Identifiers: ClinVar variation 1478907 (VCV001478907.9), dbSNP rs2141557154, ClinGen allele CA393375484.